The following is an entry in ClinVar:

NM_001379270.1(CNGA1):c.1327del (p.Thr443fs)

Genes: CNGA1 (cyclic nucleotide gated channel subunit alpha 1; minus strand), LOC101927157 (uncharacterized LOC101927157; plus strand). Cytogenetic location: 4p12.
Variant type: Deletion.
Coding change: c.1327del on transcript NM_001379270.1 (MANE Select); coding-DNA position 1327, one base deleted (A; older notation c.1327delA).
Protein change: p.Thr443fs; shifts the reading frame from threonine 443.
Molecular consequence: frameshift variant.
Genome position (GRCh38, 1-based): chr4:47,937,155, T deleted on the plus strand (A on the coding strand, the reverse complement: CNGA1 is on the minus strand); the first of 7 consecutive T bases (chr4:47,937,155-47,937,161); deleting any one gives the same sequence. VCF-style (leftmost placement, unchanged base first): chr4-47937154-GT-G. GRCh37 (hg19) VCF-style: chr4-47939171-GT-G.
Other names: c.1327del, p.Thr443fs (NM_000087.5, NM_001142564.2); short protein forms T443fs.
Identifiers: ClinVar variation 3590579 (VCV003590579.2).
Genomic context (GRCh38, chr4:47,937,154, plus strand): 5'-ATGGCAATTTCTGCTCTTAGTTTATCAGGTAGATACTTTAAGACTTCTTTCTCATCAACT[GT>G]TTTTTTGTTGGTCCACAGGTAGTCAAACCATTTAATAACCCTCTTTTCCATATCTTTGCT-3'

ClinVar aggregate classification (germline): Pathogenic/Likely pathogenic. Review status: criteria provided, multiple submitters, no conflicts (2 of 4 stars). 2 submissions from 2 submitters: Pathogenic (1); Likely pathogenic (1). Last evaluated 2025-08-29.

Conditions:
Retinitis pigmentosa 49 (RP49). Identifiers: Orphanet 791, MedGen C3151059, MONDO:0013405, OMIM 613756.

Submissions (2):

Labcorp Genetics (formerly Invitae), Labcorp
Classification: Pathogenic. Last evaluated: 2025-08-29. Review status: criteria provided, single submitter. Criteria: Invitae Variant Classification Sherloc (09022015). Collection method: clinical testing. Allele origin: germline.
Comment: This sequence change creates a premature translational stop signal (p.Thr447Glnfs*8) in the CNGA1 gene. While this is not anticipated to result in nonsense mediated decay, it is expected to disrupt the last 244 amino acid(s) of the CNGA1 protein. This variant is not present in population databases (gnomAD no frequency). This variant has not been reported in the literature in individuals affected with CNGA1-related conditions. ClinVar contains an entry for this variant (Variation ID: 3590579). This variant disrupts a region of the CNGA1 protein in which other variant(s) (p.Arg658Aspfs*2) have been determined to be pathogenic (PMID: 7479749). This suggests that this is a clinically significant region of the protein, and that variants that disrupt it are likely to be disease-causing. For these reasons, this variant has been classified as Pathogenic.

Fulgent Genetics
Classification: Likely pathogenic for Retinitis pigmentosa 49. Last evaluated: 2024-03-26. Review status: criteria provided, single submitter. Criteria: ACMG Guidelines, 2015. Collection method: clinical testing. Allele origin: germline.

Literature cited by the submitters: PubMed 7479749 (cited by Labcorp Genetics (formerly Invitae), Labcorp).